The following is an entry in ClinVar:

ClinVar aggregate classification (germline): Likely pathogenic (1 of 4 stars; one submission).

Conditions:
Breast-ovarian cancer, familial, susceptibility to, 4. Identifiers: Orphanet 145, MedGen C3280345, MONDO:0013669, OMIM 614291.

Submission:

Labcorp Genetics (formerly Invitae), Labcorp
Classification: Likely pathogenic for Breast-ovarian cancer, familial, susceptibility to, 4. Last evaluated: 2024-12-24. Review status: criteria provided, single submitter. Criteria: Invitae Variant Classification Sherloc (09022015). Collection method: clinical testing. Allele origin: germline.
Comment: This sequence change affects a donor splice site in intron 6 of the RAD51D gene. It is expected to disrupt RNA splicing. Variants that disrupt the donor or acceptor splice site typically lead to a loss of protein function (PMID: 16199547), and loss-of-function variants in RAD51D are known to be pathogenic (PMID: 21822267). This variant is not present in population databases (gnomAD no frequency). This variant has not been reported in the literature in individuals affected with RAD51D-related conditions. Algorithms developed to predict the effect of sequence changes on RNA splicing suggest that this variant may disrupt the consensus splice site. In summary, the currently available evidence indicates that the variant is pathogenic, but additional data are needed to prove that conclusively. Therefore, this variant has been classified as Likely Pathogenic.

Literature cited by the submitters: PubMed 16199547; PubMed 21822267.

NM_002878.4(RAD51D):c.576+2T>G

Genes: RAD51L3-RFFL (RAD51L3-RFFL readthrough; minus strand), RAD51D (RAD51 paralog D; minus strand). Cytogenetic location: 17q12.
Variant type: single nucleotide variant.
Coding change: c.576+2T>G on transcript NM_002878.4 (MANE Select); the canonical splice donor site of the intron after coding-DNA position 576, T replaced by G.
Molecular consequence: splice donor variant.
Genome position (GRCh38, 1-based): chr17:35,106,384, A>C on the plus strand (T>G on the coding strand, the complement: RAD51D is on the minus strand). VCF-style: chr17-35106384-A-C. GRCh37 (hg19) VCF-style: chr17-33433403-A-C.
Other names: c.240+2T>G (NM_133629.3); c.636+2T>G (NM_001142571.2).
Identifiers: ClinVar variation 3727993 (VCV003727993.2).